The following is an entry in ClinVar:

ClinVar aggregate classification (germline): Likely benign (1 of 4 stars; one submission).

Allele frequency attached by ClinVar (database versions not stated): ExAC 0.00001; gnomAD 0.00001.
gnomAD v4.1: 2 of 1,613,986 alleles (0.00012%); highest among the groups gnomAD compares: South Asian, 0.0011%; no homozygotes.

Submission:

CeGaT Center for Human Genetics Tuebingen
Classification: Likely benign. Last evaluated: 2022-05-01. Review status: criteria provided, single submitter. Criteria: CeGaT Center For Human Genetics Tuebingen Variant Classification Criteria Version 2. Collection method: clinical testing. Allele origin: germline. Affected: yes. Observed: 1 variant allele.
Comment: TARS2: BP4

NM_025150.5(TARS2):c.1821-5A>G

Gene: TARS2 (threonyl-tRNA synthetase 2, mitochondrial; plus strand). Cytogenetic location: 1q21.2.
Variant type: single nucleotide variant.
Coding change: c.1821-5A>G on transcript NM_025150.5 (MANE Select); 5 bases into the intron before coding-DNA position 1821, A replaced by G.
Molecular consequence: intron variant.
Genome position (GRCh38, 1-based): chr1:150,504,901, A>G. VCF-style: chr1-150504901-A-G. GRCh37 (hg19) VCF-style: chr1-150477377-A-G.
Other names: c.1575-5A>G (NM_001271895.2); c.1431-5A>G (NM_001271896.2).
Identifiers: ClinVar variation 2639161 (VCV002639161.24), dbSNP rs751795412, ClinGen allele CA1077177.